The following is an entry in ClinVar:

ClinVar aggregate classification (germline): Uncertain significance. Review status: criteria provided, multiple submitters, no conflicts (2 of 4 stars). 2 submissions from 2 submitters: Uncertain significance (2). Last evaluated 2024-08-05.

Conditions:
Inborn genetic diseases. Identifiers: MedGen C0950123, MeSH D030342.

Allele frequency attached by ClinVar (database versions not stated): TOPMed 0.00001; gnomAD 0.00002; gnomAD exomes 0.00006; 1000 Genomes Project 30x 0.00016; 1000 Genomes Project 0.00020.
gnomAD v4.1: 82 of 1,546,776 alleles (0.0053%); highest among the groups gnomAD compares: Middle Eastern, 0.017%; no homozygotes.

Submissions (2):

Ambry Genetics
Classification: Uncertain significance for Inborn genetic diseases. Last evaluated: 2024-08-05. Review status: criteria provided, single submitter. Criteria: Ambry Variant Classification Scheme 2023. Collection method: clinical testing. Allele origin: germline.

Labcorp Genetics (formerly Invitae), Labcorp
Classification: Uncertain significance. Last evaluated: 2023-01-01. Review status: criteria provided, single submitter. Criteria: Invitae Variant Classification Sherloc (09022015). Collection method: clinical testing. Allele origin: germline.
Comment: This sequence change replaces glycine, which is neutral and non-polar, with arginine, which is basic and polar, at codon 989 of the ADAMTS17 protein (p.Gly989Arg). This variant is present in population databases (rs550242741, gnomAD 0.01%). In summary, the available evidence is currently insufficient to determine the role of this variant in disease. Therefore, it has been classified as a Variant of Uncertain Significance. Algorithms developed to predict the effect of missense changes on protein structure and function are either unavailable or do not agree on the potential impact of this missense change (SIFT: "Not Available"; PolyPhen-2: "Probably Damaging"; Align-GVGD: "Not Available"). This variant has not been reported in the literature in individuals affected with ADAMTS17-related conditions.

NM_139057.4(ADAMTS17):c.2965G>A (p.Gly989Arg)

Gene: ADAMTS17 (ADAM metallopeptidase with thrombospondin type 1 motif 17; minus strand). Cytogenetic location: 15q26.3.
Variant type: single nucleotide variant.
Coding change: c.2965G>A on transcript NM_139057.4 (MANE Select); coding-DNA position 2965, G replaced by A.
Protein change: p.Gly989Arg; replaces glycine 989 with arginine.
Molecular consequence: missense variant.
Genome position (GRCh38, 1-based): chr15:99,976,207, C>T on the plus strand (G>A on the coding strand, the complement: ADAMTS17 is on the minus strand). VCF-style: chr15-99976207-C-T. GRCh37 (hg19) VCF-style: chr15-100516412-C-T.
Other names: c.2965G>A (NM_139057.2); short protein forms G989R.
Identifiers: ClinVar variation 2067603 (VCV002067603.3), dbSNP rs550242741, ClinGen allele CA275488718.
Genomic context (GRCh38, chr15:99,976,207, plus strand): 5'-TGCCGTGGCGCCCTGTGACCTTGTGCATGCACTGCACCACCCGGGACTGCAGGCCCTTCC[C>T]GCAGGTCGACGAGCACTGCAGAGACAGGACAGCCTGAGTGGGGCTGACATGAGGTCAAGG-3'
Protein context (NP_620688.2, residues 979-999): GDWSTCSSTC[Gly989Arg]KGLQSRVVQC